The following is an entry in ClinVar:

NM_178554.6(KY):c.110C>T (p.Pro37Leu)

Genes: CEP63 (centrosomal protein 63; plus strand), KY (kyphoscoliosis peptidase; minus strand). Cytogenetic location: 3q22.2.
Variant type: single nucleotide variant.
Coding change: c.110C>T on transcript NM_178554.6 (MANE Select); coding-DNA position 110, C replaced by T.
Protein change: p.Pro37Leu; replaces proline 37 with leucine.
Molecular consequence: missense variant.
Genome position (GRCh38, 1-based): chr3:134,650,851, G>A on the plus strand (C>T on the coding strand, the complement: KY is on the minus strand). VCF-style: chr3-134650851-G-A. GRCh37 (hg19) VCF-style: chr3-134369693-G-A.
Other names: c.110C>T, p.Pro37Leu (NM_001350859.2, NM_001350860.2, NM_001366276.1 and 1 more transcripts); short protein forms P37L.
Identifiers: ClinVar variation 2332039 (VCV002332039.4), dbSNP rs373172556, ClinGen allele CA2629428.

ClinVar aggregate classification (germline): Uncertain significance. Review status: criteria provided, multiple submitters, no conflicts (2 of 4 stars). 3 submissions from 3 submitters: Uncertain significance (3). Last evaluated 2025-10-06.

Conditions:
Inborn genetic diseases. Identifiers: MedGen C0950123, MeSH D030342.

Allele frequency attached by ClinVar (database versions not stated): ESP Exome Variant Server 0.00048; ExAC 0.00007; gnomAD 0.00017.
gnomAD v4.1: 63 of 1,606,984 alleles (0.0039%); highest among the groups gnomAD compares: African/African-American, 0.073%; 1 homozygote.

Submissions (3):

Women's Health and Genetics/Laboratory Corporation of America, LabCorp
Classification: Uncertain significance. Last evaluated: 2025-10-06. Review status: criteria provided, single submitter. Criteria: LabCorp Variant Classification Summary - May 2015. Collection method: clinical testing. Allele origin: germline.
Comment: Variant summary: KY c.110C>T (p.Pro37Leu) results in a non-conservative amino acid change in the encoded protein sequence. Algorithms developed to predict the effect of missense changes on protein structure and function are either unavailable or do not agree on the potential impact of this missense change. The variant allele was found at a frequency of 5e-05 in 240506 control chromosomes. This frequency is not significantly higher than estimated for disease-causing variants in KY, allowing no conclusion about variant significance. To our knowledge, no occurrence of c.110C>T in individuals affected with KY-related conditions and no experimental evidence demonstrating its impact on protein function have been reported. ClinVar contains an entry for this variant (Variation ID: 2332039). Based on the evidence outlined above, the variant was classified as uncertain significance.

GeneDx
Classification: Uncertain significance. Last evaluated: 2025-06-17. Review status: criteria provided, single submitter. Criteria: GeneDx Variant Classification Process June 2021. Collection method: clinical testing. Allele origin: germline. Affected: yes.
Comment: In silico analysis suggests that this missense variant does not alter protein structure/function; Has not been previously published as pathogenic or benign to our knowledge

Ambry Genetics
Classification: Uncertain significance for Inborn genetic diseases. Last evaluated: 2022-01-27. Review status: criteria provided, single submitter. Criteria: Ambry Variant Classification Scheme 2023. Collection method: clinical testing. Allele origin: germline.